The following is an entry in ClinVar:

ClinVar aggregate classification (germline): Conflicting classifications of pathogenicity. Review status: criteria provided, conflicting classifications (1 of 4 stars). 5 submissions from 5 submitters: Uncertain significance (4); Likely benign (1). Last evaluated 2025-10-28.

Conditions:
TTN-related disorder. Also called: TTN-related condition; TTN-related disease; TTN-related disorders.
Dilated cardiomyopathy 1G (CMD1G). Identifiers: Orphanet 154, MedGen C1858763, MONDO:0011400, OMIM 604145.
Autosomal recessive limb-girdle muscular dystrophy type 2J (LGMDR10). Also called: Limb-girdle muscular dystrophy, type 2J; MUSCULAR DYSTROPHY, LIMB-GIRDLE, AUTOSOMAL RECESSIVE 10. Identifiers: Orphanet 140922, MedGen C1837342, MONDO:0012127, OMIM 608807.

Allele frequency attached by ClinVar (database versions not stated): gnomAD 0.00012; TOPMed 0.00012; 1000 Genomes Project 0.00020; 1000 Genomes Project 30x 0.00031.

Submissions (5):

PreventionGenetics, part of Exact Sciences
Classification: Uncertain significance for TTN-related condition. Last evaluated: 2025-10-28. Review status: criteria provided, single submitter. Criteria: ACMG Guidelines, 2015. Collection method: clinical testing. Allele origin: germline.
Comment: The TTN c.12404A>G variant is predicted to result in the amino acid substitution p.Asn4135Ser. To our knowledge, this variant has not been reported in the literature. This variant is reported in 0.033% of alleles in individuals of African descent in gnomAD. At this time, the clinical significance of this variant is uncertain due to the absence of conclusive functional and genetic evidence.

Mayo Clinic Laboratories, Mayo Clinic
Classification: Uncertain significance. Last evaluated: 2019-09-16. Review status: criteria provided, single submitter. Criteria: ACMG Guidelines, 2015. Collection method: clinical testing. Allele origin: germline. Observed: 1 variant allele.

GeneDx
Classification: Likely benign. Last evaluated: 2018-11-29. Review status: criteria provided, single submitter. Criteria: GeneDx Variant Classification Process June 2021. Collection method: clinical testing. Allele origin: germline. Affected: yes.

Labcorp Genetics (formerly Invitae), Labcorp
Classification: Uncertain significance for Dilated cardiomyopathy 1G; Autosomal recessive limb-girdle muscular dystrophy type 2J. Last evaluated: 2017-12-18. Review status: criteria provided, single submitter. Criteria: Invitae Variant Classification Sherloc (09022015). Collection method: clinical testing. Allele origin: germline.

Eurofins Ntd Llc (ga)
Classification: Uncertain significance. Last evaluated: 2017-09-14. Review status: criteria provided, single submitter. Criteria: EGL Classification Definitions 2015. Collection method: clinical testing. Allele origin: germline. Observed: 1 variant allele, 1 heterozygote.

NM_001267550.2(TTN):c.12404A>G (p.Asn4135Ser)

Gene: TTN (titin; minus strand). Cytogenetic location: 2q31.2.
Variant type: single nucleotide variant.
Coding change: c.12404A>G on transcript NM_001267550.2 (MANE Select); coding-DNA position 12404, A replaced by G.
Protein change: p.Asn4135Ser; replaces asparagine 4135 with serine.
Molecular consequence: missense variant. On other transcripts: intron variant (1).
Genome position (GRCh38, 1-based): chr2:178,740,829, T>C on the plus strand (A>G on the coding strand, the complement: TTN is on the minus strand). VCF-style: chr2-178740829-T-C. GRCh37 (hg19) VCF-style: chr2-179605556-T-C.
Other names: p.N3818S:AAT>AGT; c.11453A>G, p.Asn3818Ser (NM_001256850.1); c.11315A>G, p.Asn3772Ser (NM_003319.4); c.11690A>G, p.Asn3897Ser (NM_133432.3); c.11891A>G, p.Asn3964Ser (NM_133437.4); c.10361-2469A>G (NM_133378.4); short protein forms N3818S, N4135S, N3897S, N3772S, N3964S.
Identifiers: ClinVar variation 203226 (VCV000203226.16), dbSNP rs565638291, ClinGen allele CA311737.